The following is an entry in ClinVar:

ClinVar aggregate classification (germline): Uncertain significance (1 of 4 stars; one submission).

Allele frequency attached by ClinVar (database versions not stated): TOPMed below 0.00001.
gnomAD v4.1: 1 of 1,614,172 alleles (0.000062%); highest among the groups gnomAD compares: Admixed American, 0.0017%; no homozygotes.

Submission:

Labcorp Genetics (formerly Invitae), Labcorp
Classification: Uncertain significance. Last evaluated: 2022-01-04. Review status: criteria provided, single submitter. Criteria: Invitae Variant Classification Sherloc (09022015). Collection method: clinical testing. Allele origin: germline.
Comment: In summary, the available evidence is currently insufficient to determine the role of this variant in disease. Therefore, it has been classified as a Variant of Uncertain Significance. Algorithms developed to predict the effect of missense changes on protein structure and function are either unavailable or do not agree on the potential impact of this missense change (SIFT: "Not Available"; PolyPhen-2: "Benign"; Align-GVGD: "Not Available"). This variant has not been reported in the literature in individuals affected with TULP1-related conditions. This variant is not present in population databases (gnomAD no frequency). This sequence change replaces valine, which is neutral and non-polar, with leucine, which is neutral and non-polar, at codon 467 of the TULP1 protein (p.Val467Leu).

NM_003322.6(TULP1):c.1399G>C (p.Val467Leu)

Gene: TULP1 (TUB like protein 1; minus strand). Cytogenetic location: 6p21.31.
Variant type: single nucleotide variant.
Coding change: c.1399G>C on transcript NM_003322.6 (MANE Select); coding-DNA position 1399, G replaced by C.
Protein change: p.Val467Leu; replaces valine 467 with leucine.
Molecular consequence: missense variant.
Genome position (GRCh38, 1-based): chr6:35,500,077, C>G on the plus strand (G>C on the coding strand, the complement: TULP1 is on the minus strand). VCF-style: chr6-35500077-C-G. GRCh37 (hg19) VCF-style: chr6-35467854-C-G.
Other names: c.1240G>C, p.Val414Leu (NM_001289395.2); short protein forms V467L, V414L.
Identifiers: ClinVar variation 1936607 (VCV001936607.5), dbSNP rs762348395, ClinGen allele CA363778812.